The following is an entry in ClinVar:

ClinVar aggregate classification (germline): Uncertain significance. Review status: criteria provided, multiple submitters, no conflicts (2 of 4 stars). 12 submissions from 12 submitters: Uncertain significance (11). 1 of the submissions does not count toward it. Last evaluated 2026-01-04.

Conditions:
ATM-related cancer predisposition. Also called: ATM-related cancer susceptibility. Identifiers: MedGen CN377759, MONDO:0700270.
Hereditary cancer-predisposing syndrome. Also called: Neoplastic Syndromes, Hereditary; Hereditary Cancer Syndrome; Tumor predisposition; Hereditary neoplastic syndrome. Identifiers: Orphanet 140162, MedGen C0027672, MeSH D009386, MONDO:0015356.
Familial cancer of breast. Also called: Hereditary breast cancer; hereditary breast carcinoma; BREAST CANCER, FAMILIAL. Identifiers: Orphanet 227535, MedGen C0346153, MONDO:0016419, OMIM 114480. Disease mechanism: loss of function.
Ataxia-telangiectasia syndrome (AT). Also called: Cerebello-oculocutaneous telangiectasia; Immunodeficiency with ataxia telangiectasia; LOUIS-BAR SYNDROME; Ataxia-telangiectasia, complementation group D; AT, COMPLEMENTATION GROUP C; ATAXIA-TELANGIECTASIA, COMPLEMENTATION GROUP A. Identifiers: Orphanet 100, MedGen C0004135, MONDO:0008840, OMIM 208900.

Allele frequency attached by ClinVar (database versions not stated): ExAC 0.00001; gnomAD 0.00001; gnomAD exomes 0.00001 and 0.00002; TOPMed 0.00001.
gnomAD v4.1: 12 of 1,613,888 alleles (0.00074%); highest among the groups gnomAD compares: Middle Eastern, 0.016%; no homozygotes.

Submissions (12):

Labcorp Genetics (formerly Invitae), Labcorp
Classification: Uncertain significance for Ataxia-telangiectasia syndrome. Last evaluated: 2026-01-04. Review status: criteria provided, single submitter. Criteria: Invitae Variant Classification Sherloc (09022015). Collection method: clinical testing. Allele origin: germline.
Comment: This sequence change replaces asparagine, which is neutral and polar, with serine, which is neutral and polar, at codon 1094 of the ATM protein (p.Asn1094Ser). This variant is present in population databases (rs199883473, gnomAD 0.006%). This variant has not been reported in the literature in individuals affected with ATM-related conditions. ClinVar contains an entry for this variant (Variation ID: 142339). Invitae Evidence Modeling of protein sequence and biophysical properties (such as structural, functional, and spatial information, amino acid conservation, physicochemical variation, residue mobility, and thermodynamic stability) indicates that this missense variant is not expected to disrupt ATM protein function with a negative predictive value of 95%. Studies have shown that this missense change is associated with inconclusive levels of altered splicing (internal data). In summary, the available evidence is currently insufficient to determine the role of this variant in disease. Therefore, it has been classified as a Variant of Uncertain Significance.

Color Diagnostics, LLC DBA Color Health
Classification: Uncertain significance for Hereditary cancer-predisposing syndrome. Last evaluated: 2025-11-25. Review status: criteria provided, single submitter. Criteria: ACMG Guidelines, 2015. Collection method: clinical testing. Allele origin: germline.
Comment: This missense variant replaces asparagine with serine at codon 1094 of the ATM protein. Computational prediction suggests that this variant may not impact protein structure and function. RNA splicing prediction suggests that this variant could activate a cryptic donor site in exon 22, resulting in a frameshift (PMID: 30661751). To our knowledge, RNA and functional studies have not been reported for this variant. This variant has been detected in a breast cancer case-control meta-analysis in 2/60466 cases and 3/53461 unaffected individuals (PMID: 33471991LOVD DB-ID ATM_001338). This variant has been identified in 12/1613888 chromosomes in the general population by the Genome Aggregation Database (gnomAD). The available evidence is insufficient to determine the role of this variant in disease conclusively. Therefore, this variant is classified as a Variant of Uncertain Significance.

Ambry Genetics
Classification: Uncertain significance for Hereditary cancer-predisposing syndrome. Last evaluated: 2025-09-05. Review status: criteria provided, single submitter. Criteria: Ambry Variant Classification Scheme 2023. Collection method: clinical testing. Allele origin: germline.
Comment: The c.3281A>G variant (also known as p.N1094S), located in coding exon 21 of the ATM gene, results from an A to G substitution at nucleotide position 3281. The asparagine at codon 1094 is replaced by serine, an amino acid with highly similar properties. This nucleotide position is not well conserved in available vertebrate species. In silico splice site analysis predicts that this alteration will result in the creation or strengthening of a novel splice donor site. RNA studies have demonstrated that this alteration results in an incomplete splice defect; the clinical impact of this abnormal splicing is unknown at this time (Ambry internal data). Based on the available evidence, the clinical significance of this variant remains unclear.

Institute for Biomarker Research, Medical Diagnostic Laboratories, L.L.C.
Classification: Uncertain significance for Hereditary cancer-predisposing syndrome. Last evaluated: 2025-01-27. Review status: criteria provided, single submitter. Criteria: ACMG Guidelines, 2015. Collection method: clinical testing. Allele origin: germline.
Comment: The missense variant NM_000051.4(ATM):c.3281A>G (p.Asn1094Ser) has not been reported previously as a pathogenic variant nor as a benign variant, to our knowledge. There is a small physicochemical difference between asparagine and serine, which is not likely to impact secondary protein structure as these residues share similar properties. The gene ATM has a low rate of benign missense variation as indicated by a high missense variants Z-Score of 2.52. The gene ATM contains 171 pathogenic missense variants, indicating that missense variants are a common mechanism of disease in this gene. For these reasons, this variant has been classified as Uncertain Significance

Genomic Medicine Center of Excellence, King Faisal Specialist Hospital and Research Centre
Classification: Uncertain significance for Ataxia-telangiectasia syndrome. Last evaluated: 2024-12-19. Review status: criteria provided, single submitter. Criteria: ACMG Guidelines, 2015. Collection method: clinical testing. Allele origin: germline.

Blueprint Genetics
Classification: Uncertain significance. Last evaluated: 2024-10-03. Review status: criteria provided, single submitter. Criteria: ACMG Guidelines, 2015. Collection method: clinical testing. Allele origin: germline.

Quest Diagnostics Nichols Institute San Juan Capistrano
Classification: Uncertain significance. Last evaluated: 2024-04-28. Review status: criteria provided, single submitter. Criteria: Quest Diagnostics criteria. Collection method: clinical testing. Allele origin: unknown.

GeneDx
Classification: Uncertain significance. Last evaluated: 2023-08-29. Review status: criteria provided, single submitter. Criteria: GeneDx Variant Classification Process June 2021. Collection method: clinical testing. Allele origin: germline. Affected: yes.
Comment: In silico analysis supports that this variant has a deleterious effect on splicing; In silico analysis supports that this missense variant does not alter protein function; Has not been previously published as pathogenic or benign to our knowledge; This variant is associated with the following publications: (PMID: 19781682)

Baylor Genetics
Classification: Uncertain significance for Familial cancer of breast. Last evaluated: 2022-12-31. Review status: criteria provided, single submitter. Criteria: ACMG Guidelines, 2015. Collection method: clinical testing. Allele origin: unknown.

Department of Pathology and Laboratory Medicine, Sinai Health System
Classification: Uncertain significance for ATM-related cancer predisposition. Last evaluated: 2020-06-09. Review status: criteria provided, single submitter. Criteria: ACMG Guidelines, 2015. Collection method: clinical testing. Allele origin: germline. Affected: yes.

Illumina Laboratory Services, Illumina
Classification: Uncertain significance for Ataxia-telangiectasia syndrome. Last evaluated: 2018-01-13. Review status: criteria provided, single submitter. Criteria: ICSL Variant Classification Criteria 13 December 2019. Collection method: clinical testing. Allele origin: germline.

Natera, Inc.
Classification: Uncertain significance for Ataxia-telangiectasia. Last evaluated: 2020-09-16. Review status: no assertion criteria provided. Collection method: clinical testing. Allele origin: germline. Not counted in ClinVar's aggregate classification.

Literature cited by the submitters: PubMed 30661751 (cited by Color Diagnostics, LLC DBA Color Health); PubMed 33471991 (cited by Color Diagnostics, LLC DBA Color Health and Quest Diagnostics Nichols Institute San Juan Capistrano); PubMed 35304488 (cited by Quest Diagnostics Nichols Institute San Juan Capistrano); PubMed 33395407 (cited by Quest Diagnostics Nichols Institute San Juan Capistrano).

NM_000051.4(ATM):c.3281A>G (p.Asn1094Ser)

Gene: ATM (ATM serine/threonine kinase; plus strand). Cytogenetic location: 11q22.3.
Variant type: single nucleotide variant.
Coding change: c.3281A>G on transcript NM_000051.4 (MANE Select); coding-DNA position 3281, A replaced by G.
Protein change: p.Asn1094Ser; replaces asparagine 1094 with serine.
Molecular consequence: missense variant.
Genome position (GRCh38, 1-based): chr11:108,272,849, A>G. VCF-style: chr11-108272849-A-G. GRCh37 (hg19) VCF-style: chr11-108143576-A-G.
Other names: c.3281A>G, p.Asn1094Ser (NM_001351834.2); short protein forms N1094S.
Identifiers: ClinVar variation 142339 (VCV000142339.36), dbSNP rs199883473, ClinGen allele CA168115.